The following is an entry in ClinVar:

NM_001166108.2(PALLD):c.500A>G (p.Gln167Arg)

Gene: PALLD (palladin, cytoskeletal associated protein; plus strand). Cytogenetic location: 4q32.3.
Variant type: single nucleotide variant.
Coding change: c.500A>G on transcript NM_001166108.2 (MANE Select); coding-DNA position 500, A replaced by G.
Protein change: p.Gln167Arg; replaces glutamine 167 with arginine.
Molecular consequence: missense variant.
Genome position (GRCh38, 1-based): chr4:168,512,004, A>G. VCF-style: chr4-168512004-A-G. GRCh37 (hg19) VCF-style: chr4-169433155-A-G.
Other names: c.500A>G, p.Gln167Arg (NM_016081.4); short protein forms Q167R.
Identifiers: ClinVar variation 3226821 (VCV003226821.1), dbSNP rs2531433320, ClinGen allele CA358726160.

ClinVar aggregate classification (germline): Uncertain significance (1 of 4 stars; one submission).

Allele frequency attached by ClinVar (database versions not stated): gnomAD exomes below 0.00001.
gnomAD v4.1: 1 of 1,614,262 alleles (0.000062%); highest among the groups gnomAD compares: Non-Finnish European, 0.000085%; no homozygotes.

Submission:

Ambry Genetics
Classification: Uncertain significance. Last evaluated: 2024-03-01. Review status: criteria provided, single submitter. Criteria: Ambry Variant Classification Scheme 2023. Collection method: clinical testing. Allele origin: germline.
Comment: The p.Q167R variant (also known as c.500A>G), located in coding exon 1 of the PALLD gene, results from an A to G substitution at nucleotide position 500. The glutamine at codon 167 is replaced by arginine, an amino acid with highly similar properties. This amino acid position is conserved. In addition, this alteration is predicted to be tolerated by in silico analysis. Based on the available evidence, the clinical significance of this alteration remains unclear.